The following is an entry in ClinVar:

NM_001242896.3(DEPDC5):c.4323C>G (p.Ile1441Met)

Gene: DEPDC5 (DEP domain containing 5, GATOR1 subcomplex subunit; plus strand). Cytogenetic location: 22q12.3.
Variant type: single nucleotide variant.
Coding change: c.4323C>G on transcript NM_001242896.3 (MANE Select); coding-DNA position 4323, C replaced by G.
Protein change: p.Ile1441Met; replaces isoleucine 1441 with methionine.
Molecular consequence: missense variant. On other transcripts: non-coding transcript variant (5).
Genome position (GRCh38, 1-based): chr22:31,897,601, C>G. VCF-style: chr22-31897601-C-G. GRCh37 (hg19) VCF-style: chr22-32293587-C-G.
Other names: c.4296C>G, p.Ile1432Met (NM_001136029.4); c.4023C>G, p.Ile1341Met (NM_001242897.2); c.4257C>G, p.Ile1419Met (NM_001363852.2, NM_001364320.2); c.4089C>G, p.Ile1363Met (NM_001363854.2, NM_001364319.2); c.4323C>G, p.Ile1441Met (NM_001364318.2); c.4239C>G, p.Ile1413Met (NM_001369901.1, NM_001369902.1); c.4230C>G, p.Ile1410Met (NM_001369903.1, NM_014662.6); short protein forms I1363M, I1410M, I1413M, I1419M, I1432M, I1341M, I1441M.
Identifiers: ClinVar variation 1463267 (VCV001463267.8), dbSNP rs2149397656, ClinGen allele CA411288723.

ClinVar aggregate classification (germline): Uncertain significance (1 of 4 stars; one submission).

Conditions:
Familial focal epilepsy with variable foci (FPEVF). Identifiers: Orphanet 98820, MedGen C1858477, MONDO:0020310.

Submission:

Labcorp Genetics (formerly Invitae), Labcorp
Classification: Uncertain significance for Familial focal epilepsy with variable foci. Last evaluated: 2023-10-13. Review status: criteria provided, single submitter. Criteria: Invitae Variant Classification Sherloc (09022015). Collection method: clinical testing. Allele origin: germline.
Comment: This sequence change replaces isoleucine, which is neutral and non-polar, with methionine, which is neutral and non-polar, at codon 1441 of the DEPDC5 protein (p.Ile1441Met). This variant is not present in population databases (gnomAD no frequency). This variant has not been reported in the literature in individuals affected with DEPDC5-related conditions. ClinVar contains an entry for this variant (Variation ID: 1463267). Experimental studies and prediction algorithms are not available or were not evaluated, and the functional significance of this variant is currently unknown. In summary, the available evidence is currently insufficient to determine the role of this variant in disease. Therefore, it has been classified as a Variant of Uncertain Significance.